The following is an entry in ClinVar:

ClinVar aggregate classification (germline): Uncertain significance. Review status: criteria provided, multiple submitters, no conflicts (2 of 4 stars). 2 submissions from 2 submitters: Uncertain significance (2). Last evaluated 2023-08-14.

Conditions:
Hereditary cancer-predisposing syndrome. Also called: Hereditary Cancer Syndrome; Hereditary neoplastic syndrome; Neoplastic Syndromes, Hereditary; Tumor predisposition. Identifiers: Orphanet 140162, MedGen C0027672, MeSH D009386, MONDO:0015356.
Familial adenomatous polyposis 1 (FAP1). Also called: POLYPOSIS, ADENOMATOUS INTESTINAL; FAMILIAL ADENOMATOUS POLYPOSIS 1, ATTENUATED. Identifiers: MedGen C2713442, MONDO:0021056, OMIM 175100. Disease mechanism: loss of function.

Submissions (2):

Ambry Genetics
Classification: Uncertain significance for Hereditary cancer-predisposing syndrome. Last evaluated: 2023-08-14. Review status: criteria provided, single submitter. Criteria: Ambry Variant Classification Scheme 2023. Collection method: clinical testing. Allele origin: germline.
Comment: The p.C1130R variant (also known as c.3388T>C), located in coding exon 15 of the APC gene, results from a T to C substitution at nucleotide position 3388. The cysteine at codon 1130 is replaced by arginine, an amino acid with highly dissimilar properties. This amino acid position is highly conserved in available vertebrate species. In addition, in silico predictors for this gene do not accurately predict pathogenicity. Since supporting evidence is limited at this time, the clinical significance of this alteration remains unclear.

Labcorp Genetics (formerly Invitae), Labcorp
Classification: Uncertain significance for Familial adenomatous polyposis 1. Last evaluated: 2020-12-19. Review status: criteria provided, single submitter. Criteria: Invitae Variant Classification Sherloc (09022015). Collection method: clinical testing. Allele origin: germline.
Comment: This variant is not present in population databases (ExAC no frequency). This sequence change replaces cysteine with arginine at codon 1130 of the APC protein (p.Cys1130Arg). The cysteine residue is highly conserved and there is a large physicochemical difference between cysteine and arginine. In summary, the available evidence is currently insufficient to determine the role of this variant in disease. Therefore, it has been classified as a Variant of Uncertain Significance. Algorithms developed to predict the effect of missense changes on protein structure and function (SIFT, PolyPhen-2, Align-GVGD) all suggest that this variant is likely to be tolerated, but these predictions have not been confirmed by published functional studies and their clinical significance is uncertain. This variant has not been reported in the literature in individuals with APC-related conditions.

NM_000038.6(APC):c.3388T>C (p.Cys1130Arg)

Gene: APC (APC regulator of Wnt signaling pathway; plus strand). Cytogenetic location: 5q22.2.
Variant type: single nucleotide variant.
Coding change: c.3388T>C on transcript NM_000038.6 (MANE Select); coding-DNA position 3388, T replaced by C.
Protein change: p.Cys1130Arg; replaces cysteine 1130 with arginine.
Molecular consequence: missense variant.
Genome position (GRCh38, 1-based): chr5:112,838,982, T>C. VCF-style: chr5-112838982-T-C. GRCh37 (hg19) VCF-style: chr5-112174679-T-C.
Other names: c.3388T>C (NM_000038.5); c.3388T>C, p.Cys1130Arg (NM_001127510.3, NM_001354895.2); c.3334T>C, p.Cys1112Arg (NM_001127511.3); c.3442T>C, p.Cys1148Arg (NM_001354896.2); c.3418T>C, p.Cys1140Arg (NM_001354897.2); c.3313T>C, p.Cys1105Arg (NM_001354898.2); c.3304T>C, p.Cys1102Arg (NM_001354899.2); c.3265T>C, p.Cys1089Arg (NM_001354900.2); and 6 more; short protein forms C1004R, C1102R, C1029R, C1148R, C970R, C1089R, C847R, C1039R.
Identifiers: ClinVar variation 1430558 (VCV001430558.9), dbSNP rs2149890905, ClinGen allele CA16028754.
Genomic context (GRCh38, chr5:112,838,982, plus strand): 5'-TCAGAAACAAATCGAGTGGGTTCTAATCATGGAATTAATCAAAATGTAAGCCAGTCTTTG[T>C]GTCAAGAAGATGACTATGAAGATGATAAGCCTACCAATTATAGTGAACGTTACTCTGAAG-3'
Protein context (NP_000029.2, residues 1120-1140): GINQNVSQSL[Cys1130Arg]QEDDYEDDKP